The following is an entry in ClinVar:

ClinVar aggregate classification (germline): Uncertain significance (1 of 4 stars; one submission).

gnomAD v4.1: 94 of 1,596,394 alleles (0.0059%); highest among the groups gnomAD compares: East Asian, 0.031%; no homozygotes.

Submission:

Labcorp Genetics (formerly Invitae), Labcorp
Classification: Uncertain significance. Last evaluated: 2024-06-03. Review status: criteria provided, single submitter. Criteria: Invitae Variant Classification Sherloc (09022015). Collection method: clinical testing. Allele origin: germline.
Comment: This sequence change replaces glycine, which is neutral and non-polar, with serine, which is neutral and polar, at codon 258 of the CTU2 protein (p.Gly258Ser). This variant is present in population databases (rs142100748, gnomAD 0.03%). This variant has not been reported in the literature in individuals affected with CTU2-related conditions. Advanced modeling of protein sequence and biophysical properties (such as structural, functional, and spatial information, amino acid conservation, physicochemical variation, residue mobility, and thermodynamic stability) performed at Invitae indicates that this missense variant is not expected to disrupt CTU2 protein function with a negative predictive value of 80%. In summary, the available evidence is currently insufficient to determine the role of this variant in disease. Therefore, it has been classified as a Variant of Uncertain Significance.

NM_001012759.3(CTU2):c.772G>A (p.Gly258Ser)

Gene: CTU2 (cytosolic thiouridylase subunit 2; plus strand). Cytogenetic location: 16q24.3.
Variant type: single nucleotide variant.
Coding change: c.772G>A on transcript NM_001012759.3 (MANE Select); coding-DNA position 772, G replaced by A.
Protein change: p.Gly258Ser; replaces glycine 258 with serine.
Molecular consequence: missense variant.
Genome position (GRCh38, 1-based): chr16:88,713,346, G>A. VCF-style: chr16-88713346-G-A. GRCh37 (hg19) VCF-style: chr16-88779754-G-A.
Other names: c.772G>A, p.Gly258Ser (NM_001012762.3); c.985G>A, p.Gly329Ser (NM_001318507.2); c.511G>A, p.Gly171Ser (NM_001318513.2); short protein forms G171S, G329S, G258S.
Identifiers: ClinVar variation 2894226 (VCV002894226.3), dbSNP rs142100748, ClinGen allele CA8230545.